The following is an entry in ClinVar:

NM_003000.3(SDHB):c.682G>C (p.Glu228Gln)

Gene: SDHB (succinate dehydrogenase complex iron sulfur subunit B; minus strand). Cytogenetic location: 1p36.13.
Variant type: single nucleotide variant.
Coding change: c.682G>C on transcript NM_003000.3 (MANE Select); coding-DNA position 682, G replaced by C.
Protein change: p.Glu228Gln; replaces glutamic acid 228 with glutamine.
Molecular consequence: missense variant.
Genome position (GRCh38, 1-based): chr1:17,022,691, C>G on the plus strand (G>C on the coding strand, the complement: SDHB is on the minus strand). VCF-style: chr1-17022691-C-G. GRCh37 (hg19) VCF-style: chr1-17349186-C-G.
Other names: c.682G>C (NM_003000.2); short protein forms E228Q.
Identifiers: ClinVar variation 1424616 (VCV001424616.11), dbSNP rs2077968778, ClinGen allele CA338270371.

ClinVar aggregate classification (germline): Uncertain significance. Review status: criteria provided, multiple submitters, no conflicts (2 of 4 stars). 2 submissions from 2 submitters: Uncertain significance (2). Last evaluated 2024-07-25.

Conditions:
Pheochromocytoma. Also called: MAX-Related Hereditary Paraganglioma-Pheochromocytoma Syndrome. Identifiers: Orphanet 29072, MedGen C0031511, MONDO:0008233, OMIM 171300, HP:0002666.
Pheochromocytoma/paraganglioma syndrome 4. Also called: CAROTID BODY TUMORS AND MULTIPLE EXTRAADRENAL PHEOCHROMOCYTOMAS; PARAGANGLIOMA, FAMILIAL MALIGNANT; PARAGANGLIOMAS, HEREDITARY EXTRAADRENAL; PHEOCHROMOCYTOMA, FAMILIAL EXTRAADRENAL; Paragangliomas 4; SDHB-Related Hereditary Paraganglioma-Pheochromocytoma Syndrome (Paragangliomas 4). Identifiers: Orphanet 29072, MedGen C1861848, MONDO:0007273, OMIM 115310.
Gastrointestinal stromal tumor. Also called: Gastrointestinal stroma tumor; Gastrointestinal stromal tumor, somatic. Identifiers: Orphanet 44890, MedGen C0238198, MeSH D046152, MONDO:0011719, OMIM 606764, HP:0100723.
Hereditary cancer-predisposing syndrome. Also called: Tumor predisposition; Hereditary Cancer Syndrome; Hereditary neoplastic syndrome; Neoplastic Syndromes, Hereditary. Identifiers: Orphanet 140162, MedGen C0027672, MeSH D009386, MONDO:0015356.

Submissions (2):

Ambry Genetics
Classification: Uncertain significance for Hereditary cancer-predisposing syndrome. Last evaluated: 2024-07-25. Review status: criteria provided, single submitter. Criteria: Ambry Variant Classification Scheme 2023. Collection method: clinical testing. Allele origin: germline.
Comment: The p.E228Q variant (also known as c.682G>C), located in coding exon 7 of the SDHB gene, results from a G to C substitution at nucleotide position 682. The glutamic acid at codon 228 is replaced by glutamine, an amino acid with highly similar properties. This amino acid position is highly conserved in available vertebrate species. In addition, the in silico prediction for this alteration is inconclusive. Based on the available evidence, the clinical significance of this variant remains unclear.

Labcorp Genetics (formerly Invitae), Labcorp
Classification: Uncertain significance for Gastrointestinal stromal tumor; Pheochromocytoma/paraganglioma syndrome 4; Pheochromocytoma. Last evaluated: 2024-07-03. Review status: criteria provided, single submitter. Criteria: Invitae Variant Classification Sherloc (09022015). Collection method: clinical testing. Allele origin: germline.
Comment: This sequence change replaces glutamic acid, which is acidic and polar, with glutamine, which is neutral and polar, at codon 228 of the SDHB protein (p.Glu228Gln). This variant is not present in population databases (gnomAD no frequency). This variant has not been reported in the literature in individuals affected with SDHB-related conditions. ClinVar contains an entry for this variant (Variation ID: 1424616). Advanced modeling of protein sequence and biophysical properties (such as structural, functional, and spatial information, amino acid conservation, physicochemical variation, residue mobility, and thermodynamic stability) performed at Invitae indicates that this missense variant is not expected to disrupt SDHB protein function with a negative predictive value of 80%. In summary, the available evidence is currently insufficient to determine the role of this variant in disease. Therefore, it has been classified as a Variant of Uncertain Significance.